The following is an entry in ClinVar:

NM_000090.4(COL3A1):c.4026T>C (p.Asn1342=)

Gene: COL3A1 (collagen type III alpha 1 chain; plus strand). Cytogenetic location: 2q32.2.
Variant type: single nucleotide variant.
Coding change: c.4026T>C on transcript NM_000090.4 (MANE Select); coding-DNA position 4026, T replaced by C.
Protein change: p.Asn1342=; no amino-acid change (asparagine 1342 retained).
Molecular consequence: synonymous variant.
Genome position (GRCh38, 1-based): chr2:189,010,662, T>C. VCF-style: chr2-189010662-T-C. GRCh37 (hg19) VCF-style: chr2-189875388-T-C.
Identifiers: ClinVar variation 779036 (VCV000779036.14), dbSNP rs147250987, ClinGen allele CA076429.

ClinVar aggregate classification (germline): Likely benign. Review status: criteria provided, multiple submitters, no conflicts (2 of 4 stars). 4 submissions from 4 submitters: Likely benign (4). Last evaluated 2025-08-30.

Conditions:
Familial thoracic aortic aneurysm and aortic dissection (TAAD). Also called: Thoracic aortic aneurysms and dissections. Identifiers: Orphanet 91387, MedGen C4707243, MONDO:0019625.
Ehlers-Danlos syndrome, type 4 (EDSVASC). Also called: Ehlers-Danlos syndrome vascular type; Ehlers Danlos syndrome, ecchymotic type; Ehlers Danlos syndrome, arterial type; Ehlers Danlos syndrome, Sack-Barabas type; Ehlers-Danlos Syndrome Type IV. Identifiers: Orphanet 286, MedGen C0268338, MONDO:0017314, OMIM 130050.

Allele frequency attached by ClinVar (database versions not stated): gnomAD exomes below 0.00001 and 0.00002; ExAC 0.00003; gnomAD 0.00006 and 0.00007; TOPMed 0.00010; ESP Exome Variant Server 0.00015.
gnomAD v4.1: 16 of 1,614,064 alleles (0.00099%); highest among the groups gnomAD compares: African/African-American, 0.02%; no homozygotes.

Submissions (4):

Labcorp Genetics (formerly Invitae), Labcorp
Classification: Likely benign for Ehlers-Danlos syndrome, type 4. Last evaluated: 2025-08-30. Review status: criteria provided, single submitter. Criteria: Invitae Variant Classification Sherloc (09022015). Collection method: clinical testing. Allele origin: germline.

All of Us Research Program, National Institutes of Health
Classification: Likely benign for Ehlers-Danlos syndrome, type 4. Last evaluated: 2024-09-12. Review status: criteria provided, single submitter. Criteria: ACMG Guidelines, 2015. Collection method: clinical testing. Allele origin: germline. Inheritance: Autosomal dominant inheritance. Observed: 5 variant alleles, 5 heterozygotes.
Comment: This study involves interpretation of variants in research participants for the purpose of population health screening. Participant phenotype was not available at the time of variant classification. Additional details can be found in publication PMID: 35346344, PMCID: PMC8962531

Ambry Genetics
Classification: Likely benign for Familial thoracic aortic aneurysm and aortic dissection. Last evaluated: 2023-04-30. Review status: criteria provided, single submitter. Criteria: Ambry Variant Classification Scheme 2023. Collection method: clinical testing. Allele origin: germline.

Color Diagnostics, LLC DBA Color Health
Classification: Likely benign for Familial thoracic aortic aneurysm and aortic dissection. Last evaluated: 2020-01-09. Review status: criteria provided, single submitter. Criteria: ACMG Guidelines, 2015. Collection method: clinical testing. Allele origin: germline.